The following is an entry in ClinVar:

NM_001414.4(EIF2B1):c.860A>G (p.Asp287Gly)

Genes: EIF2B1 (eukaryotic translation initiation factor 2B subunit alpha; minus strand), LOC126861664 (CDK7 strongly-dependent group 2 enhancer GRCh37_chr12:124105924-124107123; plus strand). Cytogenetic location: 12q24.31.
Variant type: single nucleotide variant.
Coding change: c.860A>G on transcript NM_001414.4 (MANE Select); coding-DNA position 860, A replaced by G.
Protein change: p.Asp287Gly; replaces aspartic acid 287 with glycine.
Molecular consequence: missense variant.
Genome position (GRCh38, 1-based): chr12:123,621,814, T>C on the plus strand (A>G on the coding strand, the complement: EIF2B1 is on the minus strand). VCF-style: chr12-123621814-T-C. GRCh37 (hg19) VCF-style: chr12-124106361-T-C.
Other names: short protein forms D287G.
Identifiers: ClinVar variation 1426819 (VCV001426819.9), dbSNP rs2135758861, ClinGen allele CA387138150.
Genomic context (GRCh38, chr12:123,621,814, plus strand): 5'-GGTTACAGATAGAGCTTGATGAGCTCATCGCTGACTGCTGAGGGTGTCAGCACGCCCAGG[T>C]CTGTAAACAGCAGAGTGATTAAGGAAGGGGCAGTGTAGTCGACCCACGGATGCTCCTCTT-3'
Protein context (NP_001405.1, residues 277-297): APSLITLLFT[Asp287Gly]LGVLTPSAVS

ClinVar aggregate classification (germline): Conflicting classifications of pathogenicity. Review status: criteria provided, conflicting classifications (1 of 4 stars). 3 submissions from 3 submitters: Likely pathogenic (1); Uncertain significance (2). Last evaluated 2026-08-10.

Allele frequency attached by ClinVar (database versions not stated): gnomAD exomes below 0.00001.
gnomAD v4.1: 4 of 1,614,044 alleles (0.00025%); highest among the groups gnomAD compares: Non-Finnish European, 0.00034%; no homozygotes.

Submissions (3):

Centre of Medical Genetics, University Hospital Muenster
Classification: Likely pathogenic. Last evaluated: 2026-08-10. Review status: criteria provided, single submitter. Criteria: ACMG Guidelines, 2015. Collection method: clinical testing. Allele origin: unknown. Affected: yes. Observed: 1 variant allele, 1 heterozygote.
Comment: ACMG categories: PM2_SUP, PM3, PP3_MOD, PP4

Labcorp Genetics (formerly Invitae), Labcorp
Classification: Uncertain significance. Last evaluated: 2022-08-09. Review status: criteria provided, single submitter. Criteria: Invitae Variant Classification Sherloc (09022015). Collection method: clinical testing. Allele origin: germline.
Comment: This sequence change replaces aspartic acid, which is acidic and polar, with glycine, which is neutral and non-polar, at codon 287 of the EIF2B1 protein (p.Asp287Gly). This variant is not present in population databases (gnomAD no frequency). This variant has not been reported in the literature in individuals affected with EIF2B1-related conditions. ClinVar contains an entry for this variant (Variation ID: 1426819). Algorithms developed to predict the effect of missense changes on protein structure and function (SIFT, PolyPhen-2, Align-GVGD) all suggest that this variant is likely to be disruptive. In summary, the available evidence is currently insufficient to determine the role of this variant in disease. Therefore, it has been classified as a Variant of Uncertain Significance.

Blueprint Genetics
Classification: Uncertain significance. Last evaluated: 2019-11-22. Review status: criteria provided, single submitter. Criteria: ACMG Guidelines, 2015. Collection method: clinical testing. Allele origin: germline.